The following is an entry in ClinVar:

NM_007373.4(SHOC2):c.578C>G (p.Ser193Cys)

Gene: SHOC2 (SHOC2 leucine rich repeat scaffold protein; plus strand). Cytogenetic location: 10q25.2.
Variant type: single nucleotide variant.
Coding change: c.578C>G on transcript NM_007373.4 (MANE Select); coding-DNA position 578, C replaced by G.
Protein change: p.Ser193Cys; replaces serine 193 with cysteine.
Molecular consequence: missense variant.
Genome position (GRCh38, 1-based): chr10:110,964,936, C>G. VCF-style: chr10-110964936-C-G. GRCh37 (hg19) VCF-style: chr10-112724694-C-G.
Other names: c.578C>G, p.Ser193Cys (NM_001269039.3, NM_001324336.2, NM_001324337.2); short protein forms S193C.
Identifiers: ClinVar variation 1749638 (VCV001749638.2), dbSNP rs2493840200, ClinGen allele CA378386141.

ClinVar aggregate classification (germline): Uncertain significance (1 of 4 stars; one submission).

Conditions:
Cardiovascular phenotype. Identifiers: MedGen CN230736.

Submission:

Ambry Genetics
Classification: Uncertain significance for Cardiovascular phenotype. Last evaluated: 2022-01-30. Review status: criteria provided, single submitter. Criteria: Ambry Variant Classification Scheme 2023. Collection method: clinical testing. Allele origin: germline.
Comment: The p.S193C variant (also known as c.578C>G), located in coding exon 1 of the SHOC2 gene, results from a C to G substitution at nucleotide position 578. The serine at codon 193 is replaced by cysteine, an amino acid with dissimilar properties. This amino acid position is conserved. In addition, the in silico prediction for this alteration is inconclusive. Since supporting evidence is limited at this time, the clinical significance of this alteration remains unclear.